The following is an entry in ClinVar:

ClinVar aggregate classification (germline): Uncertain significance. Review status: criteria provided, multiple submitters, no conflicts (2 of 4 stars). 5 submissions from 5 submitters: Uncertain significance (5). Last evaluated 2024-08-06.

Conditions:
RYR1-related disorder. Also called: RYR1-related disorders; RYR1-related condition. Identifiers: MedGen CN239331.
Malignant hyperthermia, susceptibility to, 1 (MHS1). Also called: RYR1-Related Malignant Hyperthermia Susceptibility; Anesthesia related hyperthermia; Malignant hyperpyrexia; Fulminating hyperpyrexia; Pharmacogenic myopathy; Malignant hyperthermia suceptibility 1. Identifiers: Orphanet 423, MedGen C2930980, MONDO:0007783, OMIM 145600.

Allele frequency attached by ClinVar (database versions not stated): TOPMed below 0.00001; gnomAD 0.00001; ExAC 0.00002.
gnomAD v4.1: 10 of 1,593,030 alleles (0.00063%); highest among the groups gnomAD compares: Non-Finnish European, 0.00077%; no homozygotes.

Submissions (5):

All of Us Research Program, National Institutes of Health
Classification: Uncertain significance for Malignant hyperthermia, susceptibility to, 1. Last evaluated: 2024-08-06. Review status: criteria provided, single submitter. Criteria: ACMG Guidelines, 2015. Collection method: clinical testing. Allele origin: germline. Inheritance: Autosomal dominant inheritance. Observed: 4 variant alleles, 4 heterozygotes.
Comment: This missense variant replaces arginine with proline at codon 1323 of the RYR1 protein. Computational prediction suggests that this variant may not impact protein structure and function (internally defined REVEL score threshold <= 0.5, PMID: 27666373). To our knowledge, functional studies have not been reported for this variant. This variant has not been reported in individuals affected with RYR1-related disorders in the literature. This variant has not been identified in the general population by the Genome Aggregation Database (gnomAD). The available evidence is insufficient to determine the role of this variant in disease conclusively. Therefore, this variant is classified as a Variant of Uncertain Significance.

This study involves interpretation of variants in research participants for the purpose of population health screening. Participant phenotype was not available at the time of variant classification. Additional details can be found in publication PMID: 35346344, PMCID: PMC8962531

Color Diagnostics, LLC DBA Color Health
Classification: Uncertain significance for Malignant hyperthermia, susceptibility to, 1. Last evaluated: 2024-04-03. Review status: criteria provided, single submitter. Criteria: ACMG Guidelines, 2015. Collection method: clinical testing. Allele origin: germline.
Comment: This missense variant replaces arginine with proline at codon 1323 of the RYR1 protein. Computational prediction suggests that this variant may not impact protein structure and function. To our knowledge, functional studies have not been reported for this variant. This variant has not been reported in individuals affected with RYR1-related disorders in the literature. This variant has not been identified in the general population by the Genome Aggregation Database (gnomAD). The available evidence is insufficient to determine the role of this variant in disease conclusively. Therefore, this variant is classified as a Variant of Uncertain Significance.

Revvity Omics, Revvity
Classification: Uncertain significance. Last evaluated: 2023-02-06. Review status: criteria provided, single submitter. Criteria: ACMG Guidelines, 2015. Collection method: clinical testing. Allele origin: germline.

Labcorp Genetics (formerly Invitae), Labcorp
Classification: Uncertain significance for RYR1-related disorder. Last evaluated: 2022-10-03. Review status: criteria provided, single submitter. Criteria: Invitae Variant Classification Sherloc (09022015). Collection method: clinical testing. Allele origin: germline.
Comment: Advanced modeling of protein sequence and biophysical properties (such as structural, functional, and spatial information, amino acid conservation, physicochemical variation, residue mobility, and thermodynamic stability) performed at Invitae indicates that this missense variant is not expected to disrupt RYR1 protein function. ClinVar contains an entry for this variant (Variation ID: 1314842). This variant has not been reported in the literature in individuals affected with RYR1-related conditions. The frequency data for this variant in the population databases is considered unreliable, as metrics indicate poor data quality at this position in the gnomAD database. This sequence change replaces arginine, which is basic and polar, with proline, which is neutral and non-polar, at codon 1323 of the RYR1 protein (p.Arg1323Pro). In summary, the available evidence is currently insufficient to determine the role of this variant in disease. Therefore, it has been classified as a Variant of Uncertain Significance.

GeneDx
Classification: Uncertain significance. Last evaluated: 2021-04-19. Review status: criteria provided, single submitter. Criteria: GeneDx Variant Classification Process June 2021. Collection method: clinical testing. Allele origin: germline. Affected: yes.
Comment: In silico analysis supports that this missense variant does not alter protein structure/function; Has not been previously published as pathogenic or benign to our knowledge

NM_000540.3(RYR1):c.3968G>C (p.Arg1323Pro)

Gene: RYR1 (ryanodine receptor 1; plus strand). Cytogenetic location: 19q13.2.
Variant type: single nucleotide variant.
Coding change: c.3968G>C on transcript NM_000540.3 (MANE Select); coding-DNA position 3968, G replaced by C.
Protein change: p.Arg1323Pro; replaces arginine 1323 with proline.
Molecular consequence: missense variant.
Genome position (GRCh38, 1-based): chr19:38,473,579, G>C. VCF-style: chr19-38473579-G-C. GRCh37 (hg19) VCF-style: chr19-38964219-G-C.
Other names: c.3968G>C, p.Arg1323Pro (NM_001042723.2); short protein forms R1323P.
Identifiers: ClinVar variation 1314842 (VCV001314842.10), dbSNP rs771230451, ClinGen allele CA065414.
Genomic context (GRCh38, chr19:38,473,579, plus strand): 5'-CTGCAGGGGCCACCCCGCTGGCACCTCCTGGCCTGCAGCCCCCCGCCGAGGACGAGGCCC[G>C]GGCGGCGGAACCCGACCCTGACTACGAAAACCTGCGCCGCTCAGCTGGGGGCTGGAGCGA-3'
Protein context (NP_000531.2, residues 1313-1333): GLQPPAEDEA[Arg1323Pro]AAEPDPDYEN